The following is an entry in ClinVar:

ClinVar aggregate classification (germline): Uncertain significance. Review status: criteria provided, multiple submitters, no conflicts (2 of 4 stars). 2 submissions from 2 submitters: Uncertain significance (2). Last evaluated 2025-12-15.

Conditions:
Inborn genetic diseases. Identifiers: MedGen C0950123, MeSH D030342.

Allele frequency attached by ClinVar (database versions not stated): TOPMed 0.00001.
gnomAD v4.1: 2 of 1,600,708 alleles (0.00012%); highest among the groups gnomAD compares: Admixed American, 0.0034%; no homozygotes.

Submissions (2):

Ambry Genetics
Classification: Uncertain significance for Inborn genetic diseases. Last evaluated: 2025-12-15. Review status: criteria provided, single submitter. Criteria: Ambry Variant Classification Scheme 2023. Collection method: clinical testing. Allele origin: germline.

GeneDx
Classification: Uncertain significance. Last evaluated: 2023-03-10. Review status: criteria provided, single submitter. Criteria: GeneDx Variant Classification Process June 2021. Collection method: clinical testing. Allele origin: germline. Affected: yes.
Comment: In silico analysis supports that this missense variant has a deleterious effect on protein structure/function; Has not been previously published as pathogenic or benign to our knowledge

NM_001379081.2(FREM1):c.3317A>G (p.Tyr1106Cys)

Gene: FREM1 (FRAS1 related extracellular matrix 1; minus strand). Cytogenetic location: 9p22.3.
Variant type: single nucleotide variant.
Coding change: c.3317A>G on transcript NM_001379081.2 (MANE Select); coding-DNA position 3317, A replaced by G.
Protein change: p.Tyr1106Cys; replaces tyrosine 1106 with cysteine.
Molecular consequence: missense variant. On other transcripts: non-coding transcript variant (2).
Genome position (GRCh38, 1-based): chr9:14,805,110, T>C on the plus strand (A>G on the coding strand, the complement: FREM1 is on the minus strand). VCF-style: chr9-14805110-T-C. GRCh37 (hg19) VCF-style: chr9-14805108-T-C.
Other names: c.3317A>G, p.Tyr1106Cys (NM_144966.7); short protein forms Y1106C.
Identifiers: ClinVar variation 2579333 (VCV002579333.2), dbSNP rs1450042072, ClinGen allele CA372968331.